The following is an entry in ClinVar:

NM_000393.5(COL5A2):c.2471T>A (p.Val824Asp)

Gene: COL5A2 (collagen type V alpha 2 chain; minus strand). Cytogenetic location: 2q32.2.
Variant type: single nucleotide variant.
Coding change: c.2471T>A on transcript NM_000393.5 (MANE Select); coding-DNA position 2471, T replaced by A.
Protein change: p.Val824Asp; replaces valine 824 with aspartic acid.
Molecular consequence: missense variant.
Genome position (GRCh38, 1-based): chr2:189,053,923, A>T on the plus strand (T>A on the coding strand, the complement: COL5A2 is on the minus strand). VCF-style: chr2-189053923-A-T. GRCh37 (hg19) VCF-style: chr2-189918649-A-T.
Other names: short protein forms V824D.
Identifiers: ClinVar variation 1879512 (VCV001879512.29), dbSNP rs146481025, ClinGen allele CA349872145.
Genomic context (GRCh38, chr2:189,053,923, plus strand): 5'-ACACTAAAGAACACCAAAATACTGTCACTTACAGGATTGCCCCGGGAGCCAGGAGGGCCA[A>T]CTAAACCTCGAGGACCAGGTTCACCCTAGAAAGCAGATTTTAGATGGTTACTGTCCAAAA-3'
Protein context (NP_000384.2, residues 814-834): EKGEPGPRGL[Val824Asp]GPPGSRGNPG

ClinVar aggregate classification (germline): Uncertain significance (1 of 4 stars; one submission).

Submission:

CeGaT Center for Human Genetics Tuebingen
Classification: Uncertain significance. Last evaluated: 2022-10-01. Review status: criteria provided, single submitter. Criteria: CeGaT Center For Human Genetics Tuebingen Variant Classification Criteria Version 2. Collection method: clinical testing. Allele origin: germline. Affected: yes. Observed: 1 variant allele.
Comment: COL5A2: PM2